The following is an entry in ClinVar:

NM_005677.4(COLQ):c.556-139G>C

Gene: COLQ (collagen like tail subunit of asymmetric acetylcholinesterase; minus strand). Cytogenetic location: 3p25.1.
Variant type: single nucleotide variant.
Coding change: c.556-139G>C on transcript NM_005677.4 (MANE Select); 139 bases into the intron before coding-DNA position 556, G replaced by C.
Molecular consequence: intron variant.
Genome position (GRCh38, 1-based): chr3:15,474,411, C>G on the plus strand (G>C on the coding strand, the complement: COLQ is on the minus strand). VCF-style: chr3-15474411-C-G. GRCh37 (hg19) VCF-style: chr3-15515918-C-G.
Other names: c.454-139G>C (NM_080539.4); c.526-139G>C (NM_080538.2).
Identifiers: ClinVar variation 679257 (VCV000679257.2), dbSNP rs28632773, ClinGen allele CA11437822.

ClinVar aggregate classification (germline): Benign. Review status: criteria provided, multiple submitters, no conflicts (2 of 4 stars). 2 submissions from 2 submitters: Benign (2). Last evaluated 2018-06-19.

Allele frequency attached by ClinVar (database versions not stated): gnomAD exomes 0.42760; gnomAD 0.46995 and 0.47325; TOPMed 0.48129; 1000 Genomes Project 0.48502; 1000 Genomes Project 30x 0.48626.
gnomAD v4.1: 374,791 of 858,510 alleles (44%); highest among the groups gnomAD compares: African/African-American, 57%; 84,532 homozygotes.

Submissions (2):

GeneDx
Classification: Benign. Last evaluated: 2018-06-19. Review status: criteria provided, single submitter. Criteria: GeneDx Variant Classification (06012015). Collection method: clinical testing. Allele origin: germline. Affected: yes.
Comment: This variant is considered likely benign or benign based on one or more of the following criteria: it is a conservative change, it occurs at a poorly conserved position in the protein, it is predicted to be benign by multiple in silico algorithms, and/or has population frequency not consistent with disease.

Breakthrough Genomics
Classification: Benign. Review status: criteria provided, single submitter. Criteria: ACMG Guidelines, 2015. Collection method: not provided. Allele origin: germline. Inheritance: Autosomal recessive inheritance. Affected: yes.